The following is an entry in ClinVar:

ClinVar aggregate classification (germline): Uncertain significance (1 of 4 stars; one submission).

Conditions:
Hereditary cancer-predisposing syndrome. Also called: Tumor predisposition; Neoplastic Syndromes, Hereditary; Hereditary neoplastic syndrome; Hereditary Cancer Syndrome. Identifiers: Orphanet 140162, MedGen C0027672, MeSH D009386, MONDO:0015356.

Submission:

Ambry Genetics
Classification: Uncertain significance for Hereditary cancer-predisposing syndrome. Last evaluated: 2024-07-11. Review status: criteria provided, single submitter. Criteria: Ambry Variant Classification Scheme 2023. Collection method: clinical testing. Allele origin: germline.
Comment: The p.A1423T variant (also known as c.4267G>A) is located in coding exon 30 of the SMARCA4 gene. The alanine at codon 1423 is replaced by threonine, an amino acid with similar properties. This change occurs in the first base pair of coding exon 30. This amino acid position is conserved. In addition, the in silico prediction for this alteration is inconclusive. Based on the available evidence, the clinical significance of this variant remains unclear.

NM_003072.5(SMARCA4):c.4171G>A (p.Ala1391Thr)

Gene: SMARCA4 (SWI/SNF related BAF chromatin remodeling complex subunit ATPase 4; plus strand). Cytogenetic location: 19p13.2.
Variant type: single nucleotide variant.
Coding change: c.4171G>A on transcript NM_003072.5 (MANE Select); coding-DNA position 4171, G replaced by A.
Protein change: p.Ala1391Thr; replaces alanine 1391 with threonine.
Molecular consequence: missense variant. On other transcripts: non-coding transcript variant (1).
Genome position (GRCh38, 1-based): chr19:11,041,307, G>A. VCF-style: chr19-11041307-G-A. GRCh37 (hg19) VCF-style: chr19-11151983-G-A.
Other names: c.4171G>A, p.Ala1391Thr (NM_001128844.3); c.4081G>A, p.Ala1361Thr (NM_001128845.2, NM_001128846.2); c.4072G>A, p.Ala1358Thr (NM_001128847.4, NM_001128848.2, NM_001374457.1); c.4267G>A, p.Ala1423Thr (NM_001128849.3, NM_001387283.1); c.4168G>A, p.Ala1390Thr (NM_001411150.1); short protein forms A1390T, A1423T, A1358T, A1391T, A1361T.
Identifiers: ClinVar variation 3445972 (VCV003445972.1).
Genomic context (GRCh38, chr19:11,041,307, plus strand): 5'-CGGCCTCTGCTTGTCGACCTGGGTGCTGGCTGTCCTATTTTACTACTATTGACCCTGAAG[G>A]CCATCGAGGAGGGCACGCTGGAGGAGATCGAAGAGGAGGTCCGGCAGAAGAAATCATCAC-3'
Protein context (NP_003063.2, residues 1381-1401): DSLTEKQWLK[Ala1391Thr]IEEGTLEEIE